The following is an entry in ClinVar:

ClinVar aggregate classification (germline): Uncertain significance (1 of 4 stars; one submission).

Conditions:
Hereditary pancreatitis (PCTT). Also called: Hereditary chronic pancreatitis; PRSS1-Related Hereditary Pancreatitis. Identifiers: Orphanet 676, MedGen C0238339, MONDO:0008185, OMIM 167800.

Allele frequency attached by ClinVar (database versions not stated): gnomAD 0.00001; gnomAD exomes 0.00001; TOPMed 0.00001.
gnomAD v4.1: 10 of 1,613,998 alleles (0.00062%); highest among the groups gnomAD compares: Non-Finnish European, 0.00085%; no homozygotes.

Submission:

Ambry Genetics
Classification: Uncertain significance for Hereditary pancreatitis. Last evaluated: 2023-12-01. Review status: criteria provided, single submitter. Criteria: Ambry Variant Classification Scheme 2023. Collection method: clinical testing. Allele origin: germline.
Comment: The p.R155H variant (also known as c.464G>A), located in coding exon 4 of the CPA1 gene, results from a G to A substitution at nucleotide position 464. The arginine at codon 155 is replaced by histidine, an amino acid with highly similar properties. This amino acid position is conserved. In addition, the in silico prediction for this alteration is inconclusive. Since supporting evidence is limited at this time, the clinical significance of this alteration remains unclear.

NM_001868.4(CPA1):c.464G>A (p.Arg155His)

Gene: CPA1 (carboxypeptidase A1; plus strand). Cytogenetic location: 7q32.2.
Variant type: single nucleotide variant.
Coding change: c.464G>A on transcript NM_001868.4 (MANE Select); coding-DNA position 464, G replaced by A.
Protein change: p.Arg155His; replaces arginine 155 with histidine.
Molecular consequence: missense variant.
Genome position (GRCh38, 1-based): chr7:130,382,190, G>A. VCF-style: chr7-130382190-G-A. GRCh37 (hg19) VCF-style: chr7-130022031-G-A.
Other names: short protein forms R155H.
Identifiers: ClinVar variation 1742173 (VCV001742173.2), dbSNP rs1283286662, ClinGen allele CA369281218.
Genomic context (GRCh38, chr7:130,382,190, plus strand): 5'-TGGTGGCGGAGAACCCGCACCTTGTCAGCAAGATCCAGATTGGCAACACCTATGAAGGGC[G>A]TCCCATTTACGTGCTGAAGGTAACATCCACATGTGGACATACACAGGGGAGAATGGACCC-3'
Protein context (NP_001859.1, residues 145-165): KIQIGNTYEG[Arg155His]PIYVLKFSTG